The following is an entry in ClinVar:

ClinVar aggregate classification (germline): Conflicting classifications of pathogenicity. Review status: criteria provided, conflicting classifications (1 of 4 stars). 2 submissions from 2 submitters: Uncertain significance (1); Likely benign (1). Last evaluated 2022-11-23.

Conditions:
Inborn genetic diseases. Identifiers: MedGen C0950123, MeSH D030342.

Allele frequency attached by ClinVar (database versions not stated): gnomAD exomes 0.00001.
gnomAD v4.1: 9 of 1,614,170 alleles (0.00056%); highest among the groups gnomAD compares: African/African-American, 0.0053%; no homozygotes.

Submissions (2):

Labcorp Genetics (formerly Invitae), Labcorp
Classification: Uncertain significance. Last evaluated: 2022-11-23. Review status: criteria provided, single submitter. Criteria: Invitae Variant Classification Sherloc (09022015). Collection method: clinical testing. Allele origin: germline.
Comment: This variant has not been reported in the literature in individuals affected with PCDH12-related conditions. In summary, the available evidence is currently insufficient to determine the role of this variant in disease. Therefore, it has been classified as a Variant of Uncertain Significance. Advanced modeling of protein sequence and biophysical properties (such as structural, functional, and spatial information, amino acid conservation, physicochemical variation, residue mobility, and thermodynamic stability) performed at Invitae indicates that this missense variant is not expected to disrupt PCDH12 protein function. This variant is present in population databases (no rsID available, gnomAD 0.0009%). This sequence change replaces aspartic acid, which is acidic and polar, with asparagine, which is neutral and polar, at codon 572 of the PCDH12 protein (p.Asp572Asn).

Ambry Genetics
Classification: Likely benign for Inborn genetic diseases. Last evaluated: 2022-10-25. Review status: criteria provided, single submitter. Criteria: Ambry Variant Classification Scheme 2023. Collection method: clinical testing. Allele origin: germline.

NM_016580.4(PCDH12):c.1714G>A (p.Asp572Asn)

Genes: PCDH12 (protocadherin 12; minus strand), RNF14 (ring finger protein 14; plus strand). Cytogenetic location: 5q31.3.
Variant type: single nucleotide variant.
Coding change: c.1714G>A on transcript NM_016580.4 (MANE Select); coding-DNA position 1714, G replaced by A.
Protein change: p.Asp572Asn; replaces aspartic acid 572 with asparagine.
Molecular consequence: missense variant.
Genome position (GRCh38, 1-based): chr5:141,956,138, C>T on the plus strand (G>A on the coding strand, the complement: PCDH12 is on the minus strand). VCF-style: chr5-141956138-C-T. GRCh37 (hg19) VCF-style: chr5-141335703-C-T.
Other names: short protein forms D572N.
Identifiers: ClinVar variation 1986880 (VCV001986880.5), dbSNP rs867546656, ClinGen allele CA128480102.
Genomic context (GRCh38, chr5:141,956,138, plus strand): 5'-TGGGCACCAGCAGGTGGCCTGTGGAGGCATTCACAAGCACGGAGAGGCTGGCTTTTCCAT[C>T]GCTGAGCACAGGCTGGACCACCTCTGGGGCATTATCATTGGCATCCAAGAGGCTGACCCA-3'
Protein context (NP_057664.1, residues 562-582): APEVVQPVLS[Asp572Asn]GKASLSVLVN